The following is an entry in ClinVar:

ClinVar aggregate classification (germline): Uncertain significance. Review status: criteria provided, multiple submitters, no conflicts (2 of 4 stars). 4 submissions from 4 submitters: Uncertain significance (4). Last evaluated 2025-11-30.

Conditions:
Hereditary cancer-predisposing syndrome. Also called: Neoplastic Syndromes, Hereditary; Tumor predisposition; Hereditary Cancer Syndrome; Hereditary neoplastic syndrome. Identifiers: Orphanet 140162, MedGen C0027672, MeSH D009386, MONDO:0015356.
Familial colorectal cancer type X. Identifiers: Orphanet 440437, MedGen C3896578, MONDO:0018604.
Polymerase proofreading-related adenomatous polyposis. Also called: Polymerase proofreading associated polyposis; Polymerase proofreading–associated polyposis (PPAP). Identifiers: Orphanet 447877, MedGen C5202613, MONDO:0018653.

Allele frequency attached by ClinVar (database versions not stated): gnomAD 0.00001 and 0.00002; TOPMed 0.00002.
gnomAD v4.1: 66 of 1,614,050 alleles (0.0041%); highest among the groups gnomAD compares: Middle Eastern, 0.016%; no homozygotes.

Submissions (4):

Labcorp Genetics (formerly Invitae), Labcorp
Classification: Uncertain significance. Last evaluated: 2025-11-30. Review status: criteria provided, single submitter. Criteria: Invitae Variant Classification Sherloc (09022015). Collection method: clinical testing. Allele origin: germline.
Comment: This sequence change replaces serine, which is neutral and polar, with leucine, which is neutral and non-polar, at codon 30 of the POLE protein (p.Ser30Leu). This variant is present in population databases (no rsID available, gnomAD 0.007%). This missense change has been observed in individual(s) with breast cancer (PMID: 34326862). ClinVar contains an entry for this variant (Variation ID: 473839). Invitae Evidence Modeling of protein sequence and biophysical properties (such as structural, functional, and spatial information, amino acid conservation, physicochemical variation, residue mobility, and thermodynamic stability) indicates that this missense variant is not expected to disrupt POLE protein function with a negative predictive value of 80%. In summary, the available evidence is currently insufficient to determine the role of this variant in disease. Therefore, it has been classified as a Variant of Uncertain Significance.

Ambry Genetics
Classification: Uncertain significance for Hereditary cancer-predisposing syndrome. Last evaluated: 2024-12-12. Review status: criteria provided, single submitter. Criteria: Ambry Variant Classification Scheme 2023. Collection method: clinical testing. Allele origin: germline.
Comment: The p.S30L variant (also known as c.89C>T), located in coding exon 2 of the POLE gene, results from a C to T substitution at nucleotide position 89. The serine at codon 30 is replaced by leucine, an amino acid with dissimilar properties. This amino acid position is highly conserved in available vertebrate species. In addition, the in silico prediction for this alteration is inconclusive. Based on the available evidence, the clinical significance of this variant remains unclear.

GeneDx
Classification: Uncertain significance. Last evaluated: 2023-12-12. Review status: criteria provided, single submitter. Criteria: GeneDx Variant Classification Process June 2021. Collection method: clinical testing. Allele origin: germline. Affected: yes.
Comment: Not observed at significant frequency in large population cohorts (gnomAD); In silico analysis supports that this missense variant does not alter protein structure/function; Observed in an individual with a personal and family history of breast cancer, melanoma, and other cancers (PMID: 34326862); This variant is associated with the following publications: (PMID: 28135145, 32627883, 29056344, 34326862)

Department of Pathology and Laboratory Medicine, Sinai Health System
Classification: Uncertain significance for Polymerase proofreading-related adenomatous polyposis; Familial colorectal cancer type X. Last evaluated: 2020-10-22. Review status: criteria provided, single submitter. Criteria: ACMG Guidelines, 2015. Collection method: clinical testing. Allele origin: germline. Affected: yes.

Literature cited by the submitters: PubMed 34326862 (cited by Labcorp Genetics (formerly Invitae), Labcorp).

NM_006231.4(POLE):c.89C>T (p.Ser30Leu)

Gene: POLE (DNA polymerase epsilon, catalytic subunit; minus strand). Cytogenetic location: 12q24.33.
Variant type: single nucleotide variant.
Coding change: c.89C>T on transcript NM_006231.4 (MANE Select); coding-DNA position 89, C replaced by T.
Protein change: p.Ser30Leu; replaces serine 30 with leucine.
Molecular consequence: missense variant.
Genome position (GRCh38, 1-based): chr12:132,681,253, G>A on the plus strand (C>T on the coding strand, the complement: POLE is on the minus strand). VCF-style: chr12-132681253-G-A. GRCh37 (hg19) VCF-style: chr12-133257839-G-A.
Other names: c.89C>T (NM_006231.2); short protein forms S30L.
Identifiers: ClinVar variation 473839 (VCV000473839.11), dbSNP rs997586826, ClinGen allele CA246303564.